The following is an entry in ClinVar:

NM_004429.5(EFNB1):c.85dup (p.Ala29fs)

Gene: EFNB1 (ephrin B1; plus strand). Cytogenetic location: Xq13.1.
Variant type: Duplication.
Coding change: c.85dup on transcript NM_004429.5 (MANE Select); coding-DNA position 85, one base duplicated (G; older notation c.85dupG).
Protein change: p.Ala29fs; shifts the reading frame from alanine 29.
Molecular consequence: frameshift variant.
Genome position (GRCh38, 1-based): chrX:68,829,861, G duplicated; the last of 2 consecutive G bases (chrX:68,829,860-68,829,861); duplicating either gives the same sequence. VCF-style (leftmost placement, unchanged base first): chrX-68829859-T-TG. GRCh37 (hg19) VCF-style: chrX-68049702-T-TG.
Other names: c.85dupG (NM_004429.4); short protein forms A29fs.
Identifiers: ClinVar variation 280643 (VCV000280643.2), dbSNP rs886041811, ClinGen allele CA10603735.
Genomic context (GRCh38, chrX:68,829,859, plus strand): 5'-GGCTCGGCAAGTGGCTTGTGGCGATGGTCGTGTGGGCGCTGTGCCGGCTCGCCACACCGC[T>TG]GGCCAAGAACCTGGAGCCCGTATCCTGGAGCTCCCTCAACCCCAAGTGAGTAACTTATCT-3'

ClinVar aggregate classification (germline): Pathogenic (1 of 4 stars; one submission).

Submission:

GeneDx
Classification: Pathogenic. Last evaluated: 2016-05-26. Review status: criteria provided, single submitter. Criteria: GeneDx Variant Classification (06012015). Collection method: clinical testing. Allele origin: germline. Affected: yes.
Comment: The c.85dupG pathogenic variant in the EFNB1 gene has not been reported previously as a pathogenic variant nor as a benign variant, to our knowledge. This variant causes a frameshift starting with codon Alanine 29, changes this amino acid to a Glycine residue, and creates a premature Stop codon at position 46 of the new reading frame, denoted p.Ala29GlyfsX46. This variant is predicted to cause loss of normal protein function either through protein truncation or nonsense-mediated mRNA decay. The c.85dupG variant was not observed in approximately 6400 individuals of European and African American ancestry in the NHLBI Exome Sequencing Project, indicating it is not a common benign variant in these populations. We interpret c.85dupG as a pathogenic variant.